The following is an entry in ClinVar:

NM_021101.5(CLDN1):c.518C>G (p.Ser173Cys)

Genes: CLDN1 (claudin 1; minus strand), CLDN16 (claudin 16; plus strand). Cytogenetic location: 3q28.
Variant type: single nucleotide variant.
Coding change: c.518C>G on transcript NM_021101.5 (MANE Select); coding-DNA position 518, C replaced by G.
Protein change: p.Ser173Cys; replaces serine 173 with cysteine.
Molecular consequence: missense variant. On other transcripts: intron variant (2).
Genome position (GRCh38, 1-based): chr3:190,308,395, G>C on the plus strand (C>G on the coding strand, the complement: CLDN1 is on the minus strand). VCF-style: chr3-190308395-G-C. GRCh37 (hg19) VCF-style: chr3-190026184-G-C.
Other names: c.-445-6498G>C (NM_001378492.1); c.-279+17804G>C (NM_001378493.1); short protein forms S173C.
Identifiers: ClinVar variation 3356837 (VCV003356837.1).
Genomic context (GRCh38, chr3:190,308,395, plus strand): 5'-TAAGAGGTTGTTTTTCGGGGACAGGAACAGCAAAGTAGGGCACCTCCCAGAAGGCAGAGA[G>C]AAGCAGCAGCCCAGCCAGTGAAGAGAGCCTGACCAAATTCGTACCTAAAAGGAAAAACCC-3'
Protein context (NP_066924.1, residues 163-183): QALFTGWAAA[Ser173Cys]LCLLGGALLC

ClinVar aggregate classification (germline): Uncertain significance (0 of 4 stars; one submission).

Conditions:
CLDN1-related disorder. Also called: CLDN1-related condition.

Submission:

PreventionGenetics, part of Exact Sciences
Classification: Uncertain significance for CLDN1-related condition. Last evaluated: 2024-08-07. Review status: no assertion criteria provided. Collection method: clinical testing. Allele origin: germline.
Comment: The CLDN1 c.518C>G variant is predicted to result in the amino acid substitution p.Ser173Cys. To our knowledge, this variant has not been reported in the literature or in a large population database, indicating this variant is rare. At this time, the clinical significance of this variant is uncertain due to the absence of conclusive functional and genetic evidence.